The following is an entry in ClinVar:

NM_001042424.3(NSD2):c.3376C>T (p.Arg1126Cys)

Gene: NSD2 (nuclear receptor binding SET domain protein 2; plus strand). Cytogenetic location: 4p16.3.
Variant type: single nucleotide variant.
Coding change: c.3376C>T on transcript NM_001042424.3 (MANE Select); coding-DNA position 3376, C replaced by T.
Protein change: p.Arg1126Cys; replaces arginine 1126 with cysteine.
Molecular consequence: missense variant.
Genome position (GRCh38, 1-based): chr4:1,974,866, C>T. VCF-style: chr4-1974866-C-T. GRCh37 (hg19) VCF-style: chr4-1976593-C-T.
Other names: c.3376C>T, p.Arg1126Cys (NM_001440892.1, NM_133330.3, NM_133331.3 and 1 more transcripts); c.3475C>T, p.Arg1159Cys (NM_001440893.1); c.3259C>T, p.Arg1087Cys (NM_001440894.1); c.3229C>T, p.Arg1077Cys (NM_001440895.1); c.3175C>T, p.Arg1059Cys (NM_001440896.1); c.3169C>T, p.Arg1057Cys (NM_001440897.1); c.3052C>T, p.Arg1018Cys (NM_001440898.1); c.2407C>T, p.Arg803Cys (NM_001440899.1, NM_001440900.1); short protein forms R1126C, R1018C, R1087C, R803C, R1077C, R1159C, R1057C, R1059C.
Identifiers: ClinVar variation 5001048 (VCV005001048.1).

ClinVar aggregate classification (germline): Uncertain significance (1 of 4 stars; one submission).

Conditions:
NSD2-related disorder. Also called: NSD2-related condition; NSD2 related disorders.

Submission:

PreventionGenetics, part of Exact Sciences
Classification: Uncertain significance for NSD2-related condition. Last evaluated: 2025-07-12. Review status: criteria provided, single submitter. Criteria: ACMG Guidelines, 2015. Collection method: clinical testing. Allele origin: germline.
Comment: The NSD2 c.3376C>T variant is predicted to result in the amino acid substitution p.Arg1126Cys. This variant has been reported as de novo in two separate, ultra-large cohort studies of developmental disorders (Table S1, Kaplanis et al. 2020. PubMed ID: 33057194; Table S3, Zhou et al. 2022. PubMed ID: 35982159). This variant is absent in a large population database (gnomAD), indicating this variant is rare. Although we suspect that this variant may be pathogenic, at this time, the clinical significance of this variant is uncertain due to the absence of conclusive functional and genetic evidence.